The following is an entry in ClinVar:

ClinVar aggregate classification (germline): Uncertain significance (1 of 4 stars; one submission).

Submission:

CeGaT Center for Human Genetics Tuebingen
Classification: Uncertain significance. Last evaluated: 2022-04-01. Review status: criteria provided, single submitter. Criteria: CeGaT Center For Human Genetics Tuebingen Variant Classification Criteria Version 2. Collection method: clinical testing. Allele origin: germline. Affected: yes. Observed: 1 variant allele.
Comment: HCFC1: PM2, PP2

NM_005334.3(HCFC1):c.5308G>A (p.Ala1770Thr)

Gene: HCFC1 (host cell factor C1; minus strand). Cytogenetic location: Xq28.
Variant type: single nucleotide variant.
Coding change: c.5308G>A on transcript NM_005334.3 (MANE Select); coding-DNA position 5308, G replaced by A.
Protein change: p.Ala1770Thr; replaces alanine 1770 with threonine.
Molecular consequence: missense variant.
Genome position (GRCh38, 1-based): chrX:153,951,660, C>T on the plus strand (G>A on the coding strand, the complement: HCFC1 is on the minus strand). VCF-style: chrX-153951660-C-T. GRCh37 (hg19) VCF-style: chrX-153217111-C-T.
Other names: short protein forms A1770T.
Identifiers: ClinVar variation 1695324 (VCV001695324.31), dbSNP rs2148559916, ClinGen allele CA415105290.
Genomic context (GRCh38, chrX:153,951,660, plus strand): 5'-ACTCGATGCCATTGGCCACTTCGGTCAGGGTAGCTGCAGCCTGCAGCTTGGCTGGGCTGG[C>T]CACCACAACCGGCTGGGGGGCCACAAATGTGTTGGATGGAGCCAGGCCTAGGAAGAAAGA-3'
Protein context (NP_005325.2, residues 1760-1780): TFVAPQPVVV[Ala1770Thr]SPAKLQAAAT